The following is an entry in ClinVar:

NM_000539.3(RHO):c.991G>A (p.Asp331Asn)

Gene: RHO (rhodopsin; plus strand). Cytogenetic location: 3q22.1.
Variant type: single nucleotide variant.
Coding change: c.991G>A on transcript NM_000539.3 (MANE Select); coding-DNA position 991, G replaced by A.
Protein change: p.Asp331Asn; replaces aspartic acid 331 with asparagine.
Molecular consequence: missense variant.
Genome position (GRCh38, 1-based): chr3:129,533,662, G>A. VCF-style: chr3-129533662-G-A. GRCh37 (hg19) VCF-style: chr3-129252505-G-A.
Other names: short protein forms D331N.
Identifiers: ClinVar variation 1406832 (VCV001406832.9), dbSNP rs200095648, ClinGen allele CA2607354.

ClinVar aggregate classification (germline): Uncertain significance. Review status: criteria provided, multiple submitters, no conflicts (2 of 4 stars). 2 submissions from 2 submitters: Uncertain significance (2). Last evaluated 2025-09-28.

Conditions:
Inborn genetic diseases. Identifiers: MedGen C0950123, MeSH D030342.

Allele frequency attached by ClinVar (database versions not stated): TOPMed 0.00004; ESP Exome Variant Server 0.00015.
gnomAD v4.1: 26 of 1,614,072 alleles (0.0016%); highest among the groups gnomAD compares: African/African-American, 0.0093%; no homozygotes.

Submissions (2):

Labcorp Genetics (formerly Invitae), Labcorp
Classification: Uncertain significance. Last evaluated: 2025-09-28. Review status: criteria provided, single submitter. Criteria: Invitae Variant Classification Sherloc (09022015). Collection method: clinical testing. Allele origin: germline.
Comment: This sequence change replaces aspartic acid, which is acidic and polar, with asparagine, which is neutral and polar, at codon 331 of the RHO protein (p.Asp331Asn). This variant is present in population databases (rs200095648, gnomAD 0.007%). This variant has not been reported in the literature in individuals affected with RHO-related conditions. ClinVar contains an entry for this variant (Variation ID: 1406832). Invitae Evidence Modeling of protein sequence and biophysical properties (such as structural, functional, and spatial information, amino acid conservation, physicochemical variation, residue mobility, and thermodynamic stability) indicates that this missense variant is not expected to disrupt RHO protein function with a negative predictive value of 95%. In summary, the available evidence is currently insufficient to determine the role of this variant in disease. Therefore, it has been classified as a Variant of Uncertain Significance.

Ambry Genetics
Classification: Uncertain significance for Inborn genetic diseases. Last evaluated: 2022-12-01. Review status: criteria provided, single submitter. Criteria: Ambry Variant Classification Scheme 2023. Collection method: clinical testing. Allele origin: germline.